The following is an entry in ClinVar:

ClinVar aggregate classification (germline): Uncertain significance (1 of 4 stars; one submission).

Conditions:
Wilms tumor 1 (WT1). Also called: Wilms tumor, somatic. Identifiers: Orphanet 654, MedGen CN033288, MONDO:0008679, OMIM 194070.

Allele frequency attached by ClinVar (database versions not stated): gnomAD exomes below 0.00001; ExAC 0.00001.
gnomAD v4.1: 2 of 1,210,540 alleles (0.00017%); highest among the groups gnomAD compares: Non-Finnish European, 0.00022%; no homozygotes.

Submission:

Labcorp Genetics (formerly Invitae), Labcorp
Classification: Uncertain significance for Wilms tumor 1. Last evaluated: 2022-06-24. Review status: criteria provided, single submitter. Criteria: Invitae Variant Classification Sherloc (09022015). Collection method: clinical testing. Allele origin: germline.
Comment: This variant is present in population databases (rs767701856, gnomAD 0.001%), including at least one homozygous and/or hemizygous individual. This sequence change replaces valine, which is neutral and non-polar, with glycine, which is neutral and non-polar, at codon 225 of the GPC3 protein (p.Val225Gly). This variant has not been reported in the literature in individuals affected with GPC3-related conditions. Algorithms developed to predict the effect of missense changes on protein structure and function are either unavailable or do not agree on the potential impact of this missense change (SIFT: "Deleterious"; PolyPhen-2: "Benign"; Align-GVGD: "Class C0"). In summary, the available evidence is currently insufficient to determine the role of this variant in disease. Therefore, it has been classified as a Variant of Uncertain Significance.

NM_004484.4(GPC3):c.674T>G (p.Val225Gly)

Gene: GPC3 (glypican 3; minus strand). Cytogenetic location: Xq26.2.
Variant type: single nucleotide variant.
Coding change: c.674T>G on transcript NM_004484.4 (MANE Select); coding-DNA position 674, T replaced by G.
Protein change: p.Val225Gly; replaces valine 225 with glycine.
Molecular consequence: missense variant.
Genome position (GRCh38, 1-based): chrX:133,753,840, A>C on the plus strand (T>G on the coding strand, the complement: GPC3 is on the minus strand). VCF-style: chrX-133753840-A-C. GRCh37 (hg19) VCF-style: chrX-132887867-A-C.
Other names: c.674T>G, p.Val225Gly (NM_001164617.2); c.626T>G, p.Val209Gly (NM_001164618.2); c.512T>G, p.Val171Gly (NM_001164619.2); short protein forms V225G, V171G, V209G.
Identifiers: ClinVar variation 2047755 (VCV002047755.4), dbSNP rs767701856, ClinGen allele CA10520809.